The following is an entry in ClinVar:

ClinVar aggregate classification (germline): Conflicting classifications of pathogenicity. Review status: criteria provided, conflicting classifications (1 of 4 stars). 2 submissions from 2 submitters: Uncertain significance (1); Likely benign (1). Last evaluated 2022-06-05.

Conditions:
Acrocallosal syndrome (ACLS). Also called: HALLUX DUPLICATION, POSTAXIAL POLYDACTYLY, AND ABSENCE OF CORPUS CALLOSUM; Schinzel syndrome 1; Absence of corpus callosum with unusual facial appearance, mental deficiency, duplication of the halluces and polydactyly. Identifiers: Orphanet 36, MedGen C0796147, MONDO:0008708, OMIM 200990.

Allele frequency attached by ClinVar (database versions not stated): 1000 Genomes Project 0.00040; 1000 Genomes Project 30x 0.00047.
gnomAD v4.1: 15 of 1,613,302 alleles (0.00093%); highest among the groups gnomAD compares: African/African-American, 0.011%; no homozygotes.

Submissions (2):

Labcorp Genetics (formerly Invitae), Labcorp
Classification: Uncertain significance for Acrocallosal syndrome. Last evaluated: 2022-06-05. Review status: criteria provided, single submitter. Criteria: Invitae Variant Classification Sherloc (09022015). Collection method: clinical testing. Allele origin: germline.
Comment: This sequence change affects codon 641 of the KIF7 mRNA. It is a 'silent' change, meaning that it does not change the encoded amino acid sequence of the KIF7 protein. It affects a nucleotide within the consensus splice site. This variant is present in population databases (rs137905815, gnomAD 0.03%). This variant has not been reported in the literature in individuals affected with KIF7-related conditions. ClinVar contains an entry for this variant (Variation ID: 1051441). Experimental studies and prediction algorithms are not available or were not evaluated, and the functional significance of this variant is currently unknown. Algorithms developed to predict the effect of sequence changes on RNA splicing suggest that this variant is not likely to affect RNA splicing. In summary, the available evidence is currently insufficient to determine the role of this variant in disease. Therefore, it has been classified as a Variant of Uncertain Significance.

Blueprint Genetics
Classification: Likely benign. Last evaluated: 2022-04-18. Review status: criteria provided, single submitter. Criteria: ACMG Guidelines, 2015. Collection method: clinical testing. Allele origin: germline.

NM_198525.3(KIF7):c.1921A>C (p.Arg641=)

Gene: KIF7 (kinesin family member 7; minus strand). Cytogenetic location: 15q26.1.
Variant type: single nucleotide variant.
Coding change: c.1921A>C on transcript NM_198525.3 (MANE Select); coding-DNA position 1921, A replaced by C.
Protein change: p.Arg641=; no amino-acid change (arginine 641 retained).
Molecular consequence: synonymous variant.
Genome position (GRCh38, 1-based): chr15:89,645,894, T>G on the plus strand (A>C on the coding strand, the complement: KIF7 is on the minus strand). VCF-style: chr15-89645894-T-G. GRCh37 (hg19) VCF-style: chr15-90189125-T-G.
Identifiers: ClinVar variation 1051441 (VCV001051441.5), dbSNP rs137905815, ClinGen allele CA7728411.